The following is an entry in ClinVar:

NM_001355436.2(SPTB):c.5178+5G>A

Gene: SPTB (spectrin beta, erythrocytic; minus strand). Cytogenetic location: 14q23.3.
Variant type: single nucleotide variant.
Coding change: c.5178+5G>A on transcript NM_001355436.2 (MANE Select); 5 bases into the intron after coding-DNA position 5178, G replaced by A.
Molecular consequence: intron variant.
Genome position (GRCh38, 1-based): chr14:64,773,215, C>T on the plus strand (G>A on the coding strand, the complement: SPTB is on the minus strand). VCF-style: chr14-64773215-C-T. GRCh37 (hg19) VCF-style: chr14-65239933-C-T.
Other names: c.5178+5G>A (NM_001024858.4, NM_001355437.2).
Identifiers: ClinVar variation 4685600 (VCV004685600.1).
Genomic context (GRCh38, chr14:64,773,215, plus strand): 5'-GTGACGGCTGGCTGCGTCTACCGCATTAGAGAAAGACAAAAACAGCAGGAGTTGTGGCTA[C>T]TCACAGTCACGTGGTCAAAGTCTTGCCCCATTTCCGGGGAAGAGGCCACTAGCTCCTTTT-3'

ClinVar aggregate classification (germline): Uncertain significance (1 of 4 stars; one submission).

Submission:

ARUP Laboratories, Molecular Genetics and Genomics, ARUP Laboratories
Classification: Uncertain significance. Last evaluated: 2025-01-30. Review status: criteria provided, single submitter. Criteria: ARUP Molecular Germline Variant Investigation Process 2024. Collection method: clinical testing. Allele origin: germline.
Comment: The SPTB c.5178+5G>A variant, to our knowledge, is not reported in the medical literature or gene specific databases. This variant is absent from the Genome Aggregation Database (v2.1.1), indicating it is not a common polymorphism. This is an intronic variant and computational analyses (Alamut Visual Plus v.1.11) predict that this variant may impact splicing by weakening the nearby canonical donor splice site. Given the lack of clinical and functional data, the significance of this variant is uncertain at this time.